The following is an entry in ClinVar:

ClinVar aggregate classification (germline): Uncertain significance (1 of 4 stars; one submission).

Conditions:
Pseudo-Hurler polydystrophy. Also called: ML III; ML III ALPHA/BETA; MUCOLIPIDOSIS IIIA; Type III Mucolipidosis; ML IIIA; Mucolipidosis III Alpha/Beta. Identifiers: Orphanet 423461, Orphanet 577, MedGen C0033788, MONDO:0018931, OMIM 252600.
Mucolipidosis type II. Also called: ML II ALPHA/BETA; Mucolipidosis 2; ML 2; Inclusion cell disease; Leroy Disease; N-acetylglucosamine 1phosphotransferase deficiency. Identifiers: Orphanet 576, MedGen C2673377, MONDO:0009650, OMIM 252500.

Submission:

Labcorp Genetics (formerly Invitae), Labcorp
Classification: Uncertain significance for Pseudo-Hurler polydystrophy; Mucolipidosis type II. Last evaluated: 2022-11-08. Review status: criteria provided, single submitter. Criteria: Invitae Variant Classification Sherloc (09022015). Collection method: clinical testing. Allele origin: germline.
Comment: ClinVar contains an entry for this variant (Variation ID: 1426336). This variant has not been reported in the literature in individuals affected with GNPTAB-related conditions. This variant is not present in population databases (gnomAD no frequency). This sequence change replaces aspartic acid, which is acidic and polar, with glutamic acid, which is acidic and polar, at codon 933 of the GNPTAB protein (p.Asp933Glu). In summary, the available evidence is currently insufficient to determine the role of this variant in disease. Therefore, it has been classified as a Variant of Uncertain Significance. Advanced modeling of protein sequence and biophysical properties (such as structural, functional, and spatial information, amino acid conservation, physicochemical variation, residue mobility, and thermodynamic stability) has been performed at Invitae for this missense variant, however the output from this modeling did not meet the statistical confidence thresholds required to predict the impact of this variant on GNPTAB protein function.

NM_024312.5(GNPTAB):c.2799T>A (p.Asp933Glu)

Gene: GNPTAB (N-acetylglucosamine-1-phosphate transferase subunits alpha and beta; minus strand). Cytogenetic location: 12q23.2.
Variant type: single nucleotide variant.
Coding change: c.2799T>A on transcript NM_024312.5 (MANE Select); coding-DNA position 2799, T replaced by A.
Protein change: p.Asp933Glu; replaces aspartic acid 933 with glutamic acid.
Molecular consequence: missense variant.
Genome position (GRCh38, 1-based): chr12:101,761,680, A>T on the plus strand (T>A on the coding strand, the complement: GNPTAB is on the minus strand). VCF-style: chr12-101761680-A-T. GRCh37 (hg19) VCF-style: chr12-102155458-A-T.
Other names: short protein forms D933E.
Identifiers: ClinVar variation 1426336 (VCV001426336.8), dbSNP rs2137112904, ClinGen allele CA386296332.
Genomic context (GRCh38, chr12:101,761,680, plus strand): 5'-GACTTTCCGCGATGTGAATCCAAACTTGCTATTTAGAATTTTATTTACATATCTGAGGGA[A>T]TCTGCAAATGTATCTTTTAGTTGCCTCCCAGTATTTTTGCTATCAGTGAAGTATGCCAAT-3'
Protein context (NP_077288.2, residues 923-943): TGRQLKDTFA[Asp933Glu]SLRYVNKILN